The following is an entry in ClinVar:

NM_000407.5(GP1BB):c.272G>A (p.Trp91Ter)

Genes: GP1BB (glycoprotein Ib platelet subunit beta; plus strand), SEPT5-GP1BB (SEPT5-GP1BB readthrough; plus strand). Cytogenetic location: 22q11.21.
Variant type: single nucleotide variant.
Coding change: c.272G>A on transcript NM_000407.5 (MANE Select); coding-DNA position 272, G replaced by A.
Protein change: p.Trp91Ter; replaces tryptophan 91 with a stop codon.
Molecular consequence: nonsense. On other transcripts: non-coding transcript variant (2).
Genome position (GRCh38, 1-based): chr22:19,724,115, G>A. VCF-style: chr22-19724115-G-A. GRCh37 (hg19) VCF-style: chr22-19711638-G-A.
Other names: short protein forms W91*.
Identifiers: ClinVar variation 2572149 (VCV002572149.1), dbSNP rs2517805000, ClinGen allele CA410676968.
Genomic context (GRCh38, chr22:19,724,115, plus strand): 5'-CGCCGGGGCTGCTGGACGCGCTGCCCGCGCTGCGCACCGCACACCTGGGCGCCAACCCCT[G>A]GCGCTGCGACTGCCGCCTTGTGCCGCTGCGCGCCTGGCTGGCCGGCCGCCCCGAGCGTGC-3'

ClinVar aggregate classification (germline): Likely pathogenic (1 of 4 stars; one submission).

Conditions:
Bernard Soulier syndrome (BSS). Also called: GLYCOPROTEIN Ib, PLATELET, DEFICIENCY OF; PLATELET GLYCOPROTEIN Ib DEFICIENCY; VON WILLEBRAND FACTOR RECEPTOR DEFICIENCY; Giant platelet syndrome; Hemorrhagiparous thrombocytic dystrophy; Giant platelet disease. Identifiers: Orphanet 274, MedGen C0005129, MeSH D001606, MONDO:0009276, OMIM 231200.

Allele frequency attached by ClinVar (database versions not stated): gnomAD exomes below 0.00001.
gnomAD v4.1: 1 of 1,440,160 alleles (0.000069%); highest among the groups gnomAD compares: Non-Finnish European, 0.000091%; no homozygotes.

Submission:

ISTH-SSC Genomics in Thrombosis and Hemostasis, KU Leuven, Center for Molecular and Vascular Biology
Classification: Likely pathogenic for Bernard Soulier syndrome. Review status: criteria provided, single submitter. Criteria: ACMG Guidelines, 2015. Collection method: clinical testing. Allele origin: germline. Affected: yes. Observed: 1 heterozygote.
Comment: Submitted to the GoldVariant database by Kathleen Freson, Center for Molecular and Vascular Biology